The following is an entry in ClinVar:

NM_033310.3(KCNK4):c.802-2A>C

Genes: KCNK4 (potassium two pore domain channel subfamily K member 4; plus strand), KCNK4-CATSPERZ (KCNK4-CATSPERZ readthrough (NMD candidate); plus strand). Cytogenetic location: 11q13.1.
Variant type: single nucleotide variant.
Coding change: c.802-2A>C on transcript NM_033310.3 (MANE Select); the canonical splice acceptor site of the intron before coding-DNA position 802, A replaced by C.
Molecular consequence: splice acceptor variant.
Genome position (GRCh38, 1-based): chr11:64,299,344, A>C. VCF-style: chr11-64299344-A-C. GRCh37 (hg19) VCF-style: chr11-64066816-A-C.
Other names: c.802-2A>C (NM_001317090.2).
Identifiers: ClinVar variation 4975469 (VCV004975469.1).

ClinVar aggregate classification (germline): Uncertain significance (1 of 4 stars; one submission).

Submission:

GeneDx
Classification: Uncertain significance. Last evaluated: 2026-01-23. Review status: criteria provided, single submitter. Criteria: GeneDx Variant Classification Process June 2021. Collection method: clinical testing. Allele origin: germline.
Comment: Canonical splice site variant with an unclear effect on protein function; Has not been previously published as pathogenic or benign to our knowledge